The following is an entry in ClinVar:

NM_024928.5(STN1):c.965G>A (p.Cys322Tyr)

Gene: STN1 (STN1 subunit of CST complex; minus strand). Cytogenetic location: 10q24.33.
Variant type: single nucleotide variant.
Coding change: c.965G>A on transcript NM_024928.5 (MANE Select); coding-DNA position 965, G replaced by A.
Protein change: p.Cys322Tyr; replaces cysteine 322 with tyrosine.
Molecular consequence: missense variant.
Genome position (GRCh38, 1-based): chr10:103,882,826, C>T on the plus strand (G>A on the coding strand, the complement: STN1 is on the minus strand). VCF-style: chr10-103882826-C-T. GRCh37 (hg19) VCF-style: chr10-105642584-C-T.
Other names: short protein forms C322Y.
Identifiers: ClinVar variation 2000814 (VCV002000814.4), dbSNP rs756219814, ClinGen allele CA5676438.

ClinVar aggregate classification (germline): Uncertain significance (1 of 4 stars; one submission).

Allele frequency attached by ClinVar (database versions not stated): gnomAD exomes below 0.00001; ExAC 0.00001.
gnomAD v4.1: 1 of 1,612,336 alleles (0.000062%); highest among the groups gnomAD compares: South Asian, 0.0011%; no homozygotes.

Submission:

Labcorp Genetics (formerly Invitae), Labcorp
Classification: Uncertain significance. Last evaluated: 2022-05-29. Review status: criteria provided, single submitter. Criteria: Invitae Variant Classification Sherloc (09022015). Collection method: clinical testing. Allele origin: germline.
Comment: This sequence change replaces cysteine, which is neutral and slightly polar, with tyrosine, which is neutral and polar, at codon 322 of the STN1 protein (p.Cys322Tyr). This variant is present in population databases (rs756219814, gnomAD 0.003%). This variant has not been reported in the literature in individuals affected with STN1-related conditions. Algorithms developed to predict the effect of missense changes on protein structure and function are either unavailable or do not agree on the potential impact of this missense change (SIFT: "Deleterious"; PolyPhen-2: "Probably Damaging"; Align-GVGD: "Class C0"). In summary, the available evidence is currently insufficient to determine the role of this variant in disease. Therefore, it has been classified as a Variant of Uncertain Significance.